The following is an entry in ClinVar:

NM_000551.4(VHL):c.273C>A (p.Phe91Leu)

Gene: VHL (von Hippel-Lindau tumor suppressor; plus strand). Cytogenetic location: 3p25.3.
Variant type: single nucleotide variant.
Coding change: c.273C>A on transcript NM_000551.4 (MANE Select); coding-DNA position 273, C replaced by A.
Protein change: p.Phe91Leu; replaces phenylalanine 91 with leucine.
Molecular consequence: missense variant.
Genome position (GRCh38, 1-based): chr3:10,142,120, C>A. VCF-style: chr3-10142120-C-A. GRCh37 (hg19) VCF-style: chr3-10183804-C-A.
Other names: NM_000551.4(VHL):c.273C>A; p.Phe91Leu; c.273C>A, p.Phe91Leu (NM_001354723.2, NM_198156.3); short protein forms F91L.
Identifiers: ClinVar variation 411978 (VCV000411978.16), dbSNP rs1060503563, ClinGen allele CA16611270.

ClinVar aggregate classification (germline): Uncertain significance. Review status: reviewed by expert panel (3 of 4 stars). 4 submissions from 4 submitters: Uncertain significance (1). 3 of the submissions do not count toward it. Last evaluated 2024-06-25.

Conditions:
Hereditary cancer-predisposing syndrome. Also called: Hereditary neoplastic syndrome; Neoplastic Syndromes, Hereditary; Tumor predisposition; Hereditary Cancer Syndrome. Identifiers: Orphanet 140162, MedGen C0027672, MeSH D009386, MONDO:0015356.
Von Hippel-Lindau syndrome (VHLS). Also called: Von Hippel-Lindau; VHL syndrome; von Hippel–Lindau syndrome. Identifiers: Orphanet 892, MedGen C0019562, MONDO:0008667, OMIM 193300. Disease mechanism: loss of function.
Chuvash polycythemia. Also called: POLYCYTHEMIA, VHL-DEPENDENT. Identifiers: Orphanet 238557, MedGen C1837915, MONDO:0009892, OMIM 263400.

Submissions (4):

ClinGen VHL Variant Curation Expert Panel, ClinGen
Classification: Uncertain significance for Von Hippel-Lindau syndrome. Last evaluated: 2024-06-25. Review status: reviewed by expert panel. Criteria: ClinGen VHL VCEP ACMG Specifications VHL V1. Collection method: curation. Allele origin: germline. Inheritance: Autosomal dominant inheritance.
Comment: The NM_000551.3(VHL):c.273C>A (p.Phe91Leu) variant in VHL is a missense variant predicted to cause substitution of phenylalanine by leucine at amino acid 91. This variant has been reported in 2 unrelated probands. Dolfus et al reports a VHL subject with (c.263 G>C; p.F91L) from a family in the French VHL Registry, the individual did not have renal involvement. No further phenotypic description is provided. (PMID: 15300849). Gallou et al (PMID:15300849) reports a VHL subject with retinal hemangioblastomas and (c.273 C>G and p.F91L). Olschwang et al (1998) is likely the same subject as Gallou et al and is not included in the proband count. Two of three participating commercial laboratories reports 4 cases with this variant, however none have VHL-related cancers. Given the sparse phenotypic descriptions in the two publications, and the 4 samples lacking VHL phenotypes from commercial laboratories, the ClinGen VHL VCEP does not recommend applying this code. (PS4_NOT_MET). This variant is absent from gnomAD v4.1.0 (PM2_Supporting). In Tarade et al, an in vitro pVHL-HIFa binding assay followed by immunoblotting showed the the F91L variant abolished all binding to HIF1a and HIF2a (PMID: 31337753)(PS3_Supporting). This variant resides within a region of VHL that is defined as a critical functional domain (the Beta Domain) (PM1). The computational predictor REVEL gives a score of 0.773, which is above the threshold of >=0.664, evidence that correlates with impact to VHL function (PP3). In summary, this variant meets the criteria to be classified as Uncertain for autosomal-dominant von Hippel-Lindau disease (VHL disease) based on the ACMG/AMP criteria applied, as specified by the ClinGen VHL VCEP Version 1.0 (Specifications approval date: 02/26/2024. Variant Approval Date 06/25/2024).

Ambry Genetics
Classification: Uncertain significance for Hereditary cancer-predisposing syndrome. Last evaluated: 2025-10-03. Review status: criteria provided, single submitter. Criteria: Ambry Variant Classification Scheme 2023. Collection method: clinical testing. Allele origin: germline. Not counted in ClinVar's aggregate classification.
Comment: The p.F91L variant (also known as c.273C>A), located in coding exon 1 of the VHL gene, results from a C to A substitution at nucleotide position 273. The phenylalanine at codon 91 is replaced by leucine, an amino acid with highly similar properties. This variant has been reported in one individual with a retinal hemangioblastoma (Dollfus H et al. Invest. Ophthalmol. Vis. Sci., 2002 Sep;43:3067-74). A variant with the same amino acid change, but different nucleotide substitution (c.273C>G; p.F91L) has been reported in one family reported to have with VHL, but no additional clinical details provided (Gallou C et al. Hum. Mutat., 2004 Sep;24:215-24). This variant was determined to be functionally neutral in one saturation genome editing assay (Buckley M et al. Nat Genet, 2024 Jul;56:1446-1455). Based on our internal structural assessment, this variant results in perturbation of the HIF1&alpha;-binding pocket (Ambry internal data). However, this variant has been observed in our cohort in individuals who do not have a personal or family history that is consistent with VHL-associated disease (Ambry internal data). This amino acid position is highly conserved in available vertebrate species. In addition, this alteration is predicted to be deleterious by in silico analysis. Based on the available evidence, the clinical significance of this variant remains unclear.

Color Diagnostics, LLC DBA Color Health
Classification: Uncertain significance for Von Hippel-Lindau syndrome. Last evaluated: 2025-07-05. Review status: criteria provided, single submitter. Criteria: ACMG Guidelines, 2015. Collection method: clinical testing. Allele origin: germline. Not counted in ClinVar's aggregate classification.
Comment: This missense variant replaces phenylalanine with leucine at codon 91 of the VHL protein. Computational prediction suggests that this variant may have deleterious impact on protein structure and function. A functional study has reported that this variant does not impact VHL function in a haploid cell proliferation assay (PMID: 38969834). This variant has not been reported in individuals affected with VHL-related disorders in the literature. This variant has not been identified in the general population by the Genome Aggregation Database (gnomAD). The available evidence is insufficient to determine the role of this variant in disease conclusively. Therefore, this variant is classified as a Variant of Uncertain Significance.

Labcorp Genetics (formerly Invitae), Labcorp
Classification: Uncertain significance for Von Hippel-Lindau syndrome; Chuvash polycythemia. Last evaluated: 2025-05-09. Review status: criteria provided, single submitter. Criteria: Invitae Variant Classification Sherloc (09022015). Collection method: clinical testing. Allele origin: germline. Not counted in ClinVar's aggregate classification.
Comment: This sequence change replaces phenylalanine, which is neutral and non-polar, with leucine, which is neutral and non-polar, at codon 91 of the VHL protein (p.Phe91Leu). This variant is not present in population databases (gnomAD no frequency). This missense change has been observed in individual(s) with retinal hemangioblastoma (PMID: 12202531). ClinVar contains an entry for this variant (Variation ID: 411978). Invitae Evidence Modeling of protein sequence and biophysical properties (such as structural, functional, and spatial information, amino acid conservation, physicochemical variation, residue mobility, and thermodynamic stability) indicates that this missense variant is expected to disrupt VHL protein function with a positive predictive value of 95%. Experimental studies have shown that this missense change affects VHL function (PMID: 31337753). In summary, the available evidence is currently insufficient to determine the role of this variant in disease. Therefore, it has been classified as a Variant of Uncertain Significance.

Literature cited by the submitters: PubMed 31337753 (cited by 3 submitters); PubMed 12202531 (cited by Ambry Genetics and Labcorp Genetics (formerly Invitae), Labcorp); PubMed 15300849 (cited by Ambry Genetics); PubMed 38969834 (cited by Ambry Genetics and Color Diagnostics, LLC DBA Color Health).